The following is an entry in ClinVar:

NM_001110556.2(FLNA):c.5830C>T (p.Pro1944Ser)

Gene: FLNA (filamin A; minus strand). Cytogenetic location: Xq28.
Variant type: single nucleotide variant.
Coding change: c.5830C>T on transcript NM_001110556.2 (MANE Select); coding-DNA position 5830, C replaced by T.
Protein change: p.Pro1944Ser; replaces proline 1944 with serine.
Molecular consequence: missense variant.
Genome position (GRCh38, 1-based): chrX:154,353,584, G>A on the plus strand (C>T on the coding strand, the complement: FLNA is on the minus strand). VCF-style: chrX-154353584-G-A. GRCh37 (hg19) VCF-style: chrX-153581952-G-A.
Other names: c.5806C>T (NM_001456.3); c.5806C>T, p.Pro1936Ser (NM_001456.4); short protein forms P1936S, P1944S.
Identifiers: ClinVar variation 1973163 (VCV001973163.6), dbSNP rs2067639237, ClinGen allele CA415199006.

ClinVar aggregate classification (germline): Uncertain significance. Review status: criteria provided, multiple submitters, no conflicts (2 of 4 stars). 2 submissions from 2 submitters: Uncertain significance (2). Last evaluated 2026-09-13.

Conditions:
Melnick-Needles syndrome (MNS). Also called: MELNICK-NEEDLES OSTEODYSPLASTY; OSTEODYSPLASTY OF MELNICK AND NEEDLES; Melnick-Needles Syndrome (FLNA-MNS). Identifiers: Orphanet 2484, MedGen C0025237, MONDO:0010650, OMIM 309350.
Frontometaphyseal dysplasia (FMD1). Identifiers: Orphanet 1826, MedGen C0265293, MONDO:0015942.
Heterotopia, periventricular, X-linked dominant (PVNH1). Also called: PERIVENTRICULAR NODULAR HETEROTOPIA 4; HETEROTOPIA, PERIVENTRICULAR, 1; PERIVENTRICULAR NODULAR HETEROTOPIA 1; X-linked periventricular heterotopia. Identifiers: Orphanet 2149, Orphanet 82004, MedGen C1848213, MONDO:0010233, OMIM 300049.
Oto-palato-digital syndrome, type II (OPD2). Also called: Otopalatodigital Syndrome, Type II; FACIOPALATOOSSEOUS SYNDROME; OPD II SYNDROME; Otopalatodigital Syndrome Type 2 (FLNA-OPD2). Identifiers: Orphanet 669, Orphanet 90652, MedGen C1844696, MONDO:0010571, OMIM 304120.
Familial thoracic aortic aneurysm and aortic dissection (TAAD). Also called: Thoracic aortic aneurysms and dissections. Identifiers: Orphanet 91387, MedGen C4707243, MONDO:0019625.

Allele frequency attached by ClinVar (database versions not stated): gnomAD exomes below 0.00001; TOPMed below 0.00001.
gnomAD v4.1: 3 of 1,211,647 alleles (0.00025%); highest among the groups gnomAD compares: Non-Finnish European, 0.00034%; no homozygotes.

Submissions (2):

Ambry Genetics
Classification: Uncertain significance for Familial thoracic aortic aneurysm and aortic dissection. Last evaluated: 2026-09-13. Review status: criteria provided, single submitter. Criteria: Ambry Variant Classification Scheme 2023. Collection method: clinical testing. Allele origin: germline.
Comment: The p.P1936S variant (also known as c.5806C>T), located in coding exon 34 of the FLNA gene, results from a C to T substitution at nucleotide position 5806. The proline at codon 1936 is replaced by serine, an amino acid with similar properties. This amino acid position is conserved. In addition, this alteration is predicted to be tolerated by in silico analysis. Based on the available evidence, the clinical significance of this variant remains unclear.

Labcorp Genetics (formerly Invitae), Labcorp
Classification: Uncertain significance for Oto-palato-digital syndrome, type II; Heterotopia, periventricular, X-linked dominant; Frontometaphyseal dysplasia; Melnick-Needles syndrome. Last evaluated: 2024-01-24. Review status: criteria provided, single submitter. Criteria: Invitae Variant Classification Sherloc (09022015). Collection method: clinical testing. Allele origin: germline.
Comment: This sequence change replaces proline, which is neutral and non-polar, with serine, which is neutral and polar, at codon 1936 of the FLNA protein (p.Pro1936Ser). This variant is not present in population databases (gnomAD no frequency). This variant has not been reported in the literature in individuals affected with FLNA-related conditions. ClinVar contains an entry for this variant (Variation ID: 1973163). Advanced modeling of protein sequence and biophysical properties (such as structural, functional, and spatial information, amino acid conservation, physicochemical variation, residue mobility, and thermodynamic stability) performed at Invitae indicates that this missense variant is not expected to disrupt FLNA protein function with a negative predictive value of 95%. In summary, the available evidence is currently insufficient to determine the role of this variant in disease. Therefore, it has been classified as a Variant of Uncertain Significance.